The following is an entry in ClinVar:

NM_000642.3(AGL):c.3317_3321del (p.Ala1106fs)

Gene: AGL (amylo-alpha-1,6-glucosidase and 4-alpha-glucanotransferase; plus strand). Cytogenetic location: 1p21.2.
Variant type: Deletion.
Coding change: c.3317_3321del on transcript NM_000642.3 (MANE Select); coding-DNA positions 3317 to 3321, 5 bases deleted (CACTT; older notation c.3317_3321delCACTT).
Protein change: p.Ala1106fs; shifts the reading frame from alanine 1106.
Molecular consequence: frameshift variant.
Genome position (GRCh38, 1-based): chr1:99,896,343-99,896,347, CACTT deleted. VCF-style (leftmost placement, unchanged base first): chr1-99896342-GCACTT-G. GRCh37 (hg19) VCF-style: chr1-100361898-GCACTT-G.
Other names: c.3317_3321delCACTT, p.Ala1106Glufs (NM_000028.3, NM_000643.3, NM_000644.3 and 1 more transcripts); c.3269_3273delCACTT, p.Ala1090Glufs (NM_000646.3); c.3296_3300delCACTT, p.Ala1099Glufs (NM_001425326.1); c.3116_3120delCACTT, p.Ala1039Glufs (NM_001425327.1); c.3113_3117delCACTT, p.Ala1038Glufs (NM_001425328.1); c.2978_2982delCACTT, p.Ala993Glufs (NM_001425329.1); c.2939_2943delCACTT, p.Ala980Glufs (NM_001425332.1); short protein forms A1106fs, A1090fs.
Identifiers: ClinVar variation 2751365 (VCV002751365.3), dbSNP rs2524757648, ClinGen allele CA2697552550.

ClinVar aggregate classification (germline): Pathogenic (1 of 4 stars; one submission).

Conditions:
Glycogen storage disease type III (GSD3). Also called: Cori disease; FORBES DISEASE. Identifiers: Orphanet 366, MedGen C0017922, MONDO:0009291, OMIM 232400.

Submission:

Labcorp Genetics (formerly Invitae), Labcorp
Classification: Pathogenic for Glycogen storage disease type III. Last evaluated: 2023-08-09. Review status: criteria provided, single submitter. Criteria: Invitae Variant Classification Sherloc (09022015). Collection method: clinical testing. Allele origin: germline.
Comment: This sequence change creates a premature translational stop signal (p.Ala1106Glufs*31) in the AGL gene. It is expected to result in an absent or disrupted protein product. Loss-of-function variants in AGL are known to be pathogenic (PMID: 19299494). This variant is not present in population databases (gnomAD no frequency). This variant has not been reported in the literature in individuals affected with AGL-related conditions. For these reasons, this variant has been classified as Pathogenic.

Literature cited by the submitters: PubMed 19299494.